The following is an entry in ClinVar:

ClinVar aggregate classification (germline): Uncertain significance. Review status: criteria provided, multiple submitters, no conflicts (2 of 4 stars). 2 submissions from 2 submitters: Uncertain significance (2). Last evaluated 2024-07-17.

Conditions:
Cutis laxa, X-linked (OHS). Also called: EDS IX; Occipital horn syndrome. Identifiers: Orphanet 198, MedGen C0268353, MONDO:0010572, OMIM 304150.
Menkes kinky-hair syndrome (MNK). Also called: Classic Menkes Disease; Copper transport disease; Menkes Disease. Identifiers: Orphanet 565, MedGen C0022716, MONDO:0010651, OMIM 309400.
X-linked distal spinal muscular atrophy type 3. Also called: SPINAL MUSCULAR ATROPHY, DISTAL, X-LINKED RECESSIVE; ATP7A-Related Distal Motor Neuropathy; NEURONOPATHY, DISTAL HEREDITARY MOTOR, X-LINKED; NEUROPATHY, DISTAL HEREDITARY MOTOR, X-LINKED. Identifiers: Orphanet 139557, MedGen C1845359, MONDO:0010338, OMIM 300489.

Allele frequency attached by ClinVar (database versions not stated): gnomAD exomes 0.00001.
gnomAD v4.1: 6 of 1,211,349 alleles (0.0005%); highest among the groups gnomAD compares: African/African-American, 0.0017%; no homozygotes.

Submissions (2):

Labcorp Genetics (formerly Invitae), Labcorp
Classification: Uncertain significance for X-linked distal spinal muscular atrophy type 3; Cutis laxa, X-linked; Menkes kinky-hair syndrome. Last evaluated: 2024-07-17. Review status: criteria provided, single submitter. Criteria: Invitae Variant Classification Sherloc (09022015). Collection method: clinical testing. Allele origin: germline.
Comment: This sequence change replaces isoleucine, which is neutral and non-polar, with threonine, which is neutral and polar, at codon 229 of the ATP7A protein (p.Ile229Thr). This variant is not present in population databases (gnomAD no frequency). This missense change has been observed in individual(s) with ATP7A-related conditions (PMID: 33057194). ClinVar contains an entry for this variant (Variation ID: 451374). Advanced modeling of protein sequence and biophysical properties (such as structural, functional, and spatial information, amino acid conservation, physicochemical variation, residue mobility, and thermodynamic stability) performed at Invitae indicates that this missense variant is not expected to disrupt ATP7A protein function with a negative predictive value of 95%. In summary, the available evidence is currently insufficient to determine the role of this variant in disease. Therefore, it has been classified as a Variant of Uncertain Significance.

GeneDx
Classification: Uncertain significance. Last evaluated: 2017-08-25. Review status: criteria provided, single submitter. Criteria: GeneDx Variant Classification (06012015). Collection method: clinical testing. Allele origin: germline. Affected: yes.
Comment: The I229T variant in the ATP7A gene has not been reported previously as a pathogenic variant, nor as a benign variant, to our knowledge. This variant is not observed in large population cohorts (Lek et al., 2016; 1000 Genomes Consortium et al., 2015; Exome Variant Server). The I229T variant is a non-conservative amino acid substitution, which is likely to impact secondary protein structure as these residues differ in polarity, charge, size and/or other properties. This substitution occurs at a position that is conserved across species. In silico analysis predicts this variant is probably damaging to the protein structure/function. We interpret I229T as a variant of uncertain significance.

Literature cited by the submitters: PubMed 33057194 (cited by Labcorp Genetics (formerly Invitae), Labcorp).

NM_000052.7(ATP7A):c.686T>C (p.Ile229Thr)

Gene: ATP7A (ATPase copper transporting alpha; plus strand). Cytogenetic location: Xq21.1.
Variant type: single nucleotide variant.
Coding change: c.686T>C on transcript NM_000052.7 (MANE Select); coding-DNA position 686, T replaced by C.
Protein change: p.Ile229Thr; replaces isoleucine 229 with threonine.
Molecular consequence: missense variant.
Genome position (GRCh38, 1-based): chrX:77,989,308, T>C. VCF-style: chrX-77989308-T-C. GRCh37 (hg19) VCF-style: chrX-77244804-T-C.
Other names: c.686T>C, p.Ile229Thr (NM_001282224.2); short protein forms I229T.
Identifiers: ClinVar variation 451374 (VCV000451374.6), dbSNP rs1557231750, ClinGen allele CA413600588.
Genomic context (GRCh38, chrX:77,989,308, plus strand): 5'-AAGAAGCTACTATTGTTTATCAACCTCATCTTATCTCAGTAGAGGAAATGAAAAAGCAGA[T>C]TGAAGCTATGGGCTTTCCAGCATTTGTCAAAAAGCAGCCCAAGTACCTCAAATTGGGAGC-3'
Protein context (NP_000043.4, residues 219-239): LISVEEMKKQ[Ile229Thr]EAMGFPAFVK